The following is an entry in ClinVar:

ClinVar aggregate classification (germline): Uncertain significance (1 of 4 stars; one submission).

Conditions:
Supravalvar aortic stenosis (SVAS). Also called: Supravalvar aortic stenosis, Eisenberg type. Identifiers: Orphanet 3193, MedGen C0003499, MONDO:0008504, OMIM 185500, HP:0004381.

gnomAD v4.1: 1 of 1,613,976 alleles (0.000062%); highest among the groups gnomAD compares: South Asian, 0.0011%; no homozygotes.

Submission:

Labcorp Genetics (formerly Invitae), Labcorp
Classification: Uncertain significance for Supravalvar aortic stenosis. Last evaluated: 2025-01-12. Review status: criteria provided, single submitter. Criteria: Invitae Variant Classification Sherloc (09022015). Collection method: clinical testing. Allele origin: germline.
Comment: This sequence change replaces alanine, which is neutral and non-polar, with threonine, which is neutral and polar, at codon 262 of the ELN protein (p.Ala262Thr). This variant is present in population databases (rs782195051, gnomAD 0.003%). This variant has not been reported in the literature in individuals affected with ELN-related conditions. Experimental studies and prediction algorithms are not available or were not evaluated, and the functional significance of this variant is currently unknown. In summary, the available evidence is currently insufficient to determine the role of this variant in disease. Therefore, it has been classified as a Variant of Uncertain Significance.

NM_000501.4(ELN):c.784G>A (p.Ala262Thr)

Gene: ELN (elastin; plus strand). Cytogenetic location: 7q11.23.
Variant type: single nucleotide variant.
Coding change: c.784G>A on transcript NM_000501.4 (MANE Select); coding-DNA position 784, G replaced by A.
Protein change: p.Ala262Thr; replaces alanine 262 with threonine.
Molecular consequence: missense variant.
Genome position (GRCh38, 1-based): chr7:74,048,541, G>A. VCF-style: chr7-74048541-G-A. GRCh37 (hg19) VCF-style: chr7-73462871-G-A.
Other names: c.754G>A, p.Ala252Thr (NM_001081752.3, NM_001278917.2); c.799G>A, p.Ala267Thr (NM_001081753.3, NM_001081754.3); c.784G>A, p.Ala262Thr (NM_001081755.3, NM_001278912.2, NM_001278915.2 and 1 more transcripts); c.676G>A, p.Ala226Thr (NM_001278913.2); c.769G>A, p.Ala257Thr (NM_001278914.2); c.742G>A, p.Ala248Thr (NM_001278916.2); c.652G>A, p.Ala218Thr (NM_001278918.2); short protein forms A248T, A262T, A267T, A252T, A226T, A257T, A218T.
Identifiers: ClinVar variation 3719774 (VCV003719774.2).